The following is an entry in ClinVar:

ClinVar aggregate classification (germline): Uncertain significance (1 of 4 stars; one submission).

Allele frequency attached by ClinVar (database versions not stated): gnomAD exomes below 0.00001 and 0.00001.
gnomAD v4.1: 2 of 1,613,780 alleles (0.00012%); highest among the groups gnomAD compares: East Asian, 0.0045%; no homozygotes.

Submission:

Labcorp Genetics (formerly Invitae), Labcorp
Classification: Uncertain significance. Last evaluated: 2023-07-16. Review status: criteria provided, single submitter. Criteria: Invitae Variant Classification Sherloc (09022015). Collection method: clinical testing. Allele origin: germline.
Comment: This variant has not been reported in the literature in individuals affected with TGFB1-related conditions. In summary, the available evidence is currently insufficient to determine the role of this variant in disease. Therefore, it has been classified as a Variant of Uncertain Significance. Advanced modeling of protein sequence and biophysical properties (such as structural, functional, and spatial information, amino acid conservation, physicochemical variation, residue mobility, and thermodynamic stability) performed at Invitae indicates that this missense variant is not expected to disrupt TGFB1 protein function. ClinVar contains an entry for this variant (Variation ID: 1478546). This variant is present in population databases (no rsID available, gnomAD 0.006%). This sequence change replaces aspartic acid, which is acidic and polar, with asparagine, which is neutral and polar, at codon 281 of the TGFB1 protein (p.Asp281Asn).

NM_000660.7(TGFB1):c.841G>A (p.Asp281Asn)

Gene: TGFB1 (transforming growth factor beta 1; minus strand). Cytogenetic location: 19q13.2.
Variant type: single nucleotide variant.
Coding change: c.841G>A on transcript NM_000660.7 (MANE Select); coding-DNA position 841, G replaced by A.
Protein change: p.Asp281Asn; replaces aspartic acid 281 with asparagine.
Molecular consequence: missense variant.
Genome position (GRCh38, 1-based): chr19:41,341,902, C>T on the plus strand (G>A on the coding strand, the complement: TGFB1 is on the minus strand). VCF-style: chr19-41341902-C-T. GRCh37 (hg19) VCF-style: chr19-41847807-C-T.
Other names: short protein forms D281N.
Identifiers: ClinVar variation 1478546 (VCV001478546.8), dbSNP rs1348401868, ClinGen allele CA405999283.